The following is an entry in ClinVar:

NM_001036.6(RYR3):c.10758+6C>G

Gene: RYR3 (ryanodine receptor 3; plus strand). Cytogenetic location: 15q14.
Variant type: single nucleotide variant.
Coding change: c.10758+6C>G on transcript NM_001036.6 (MANE Select); 6 bases into the intron after coding-DNA position 10758, C replaced by G.
Molecular consequence: intron variant.
Genome position (GRCh38, 1-based): chr15:33,819,813, C>G. VCF-style: chr15-33819813-C-G. GRCh37 (hg19) VCF-style: chr15-34112014-C-G.
Other names: c.10743+6C>G (NM_001243996.4).
Identifiers: ClinVar variation 662798 (VCV000662798.12), dbSNP rs367640896, ClinGen allele CA7460959.

ClinVar aggregate classification (germline): Uncertain significance. Review status: criteria provided, multiple submitters, no conflicts (2 of 4 stars). 2 submissions from 2 submitters: Uncertain significance (2). Last evaluated 2022-02-03.

Conditions:
Epileptic encephalopathy. Identifiers: MedGen C0543888, HP:0200134.

Allele frequency attached by ClinVar (database versions not stated): 1000 Genomes Project 30x 0.00016; 1000 Genomes Project 0.00020; gnomAD 0.00013; ExAC 0.00019; TOPMed 0.00025; ESP Exome Variant Server 0.00033.
gnomAD v4.1: 452 of 1,585,954 alleles (0.029%); highest among the groups gnomAD compares: South Asian, 0.052%; 3 homozygotes.

Submissions (2):

Labcorp Genetics (formerly Invitae), Labcorp
Classification: Uncertain significance for Epileptic encephalopathy. Last evaluated: 2022-02-03. Review status: criteria provided, single submitter. Criteria: Invitae Variant Classification Sherloc (09022015). Collection method: clinical testing. Allele origin: germline.
Comment: In summary, the available evidence is currently insufficient to determine the role of this variant in disease. Therefore, it has been classified as a Variant of Uncertain Significance. Variants that disrupt the consensus splice site are a relatively common cause of aberrant splicing (PMID: 17576681, 9536098). Algorithms developed to predict the effect of sequence changes on RNA splicing suggest that this variant is not likely to affect RNA splicing. ClinVar contains an entry for this variant (Variation ID: 662798). This variant has not been reported in the literature in individuals affected with RYR3-related conditions. This variant is present in population databases (rs367640896, gnomAD 0.04%). This sequence change falls in intron 77 of the RYR3 gene. It does not directly change the encoded amino acid sequence of the RYR3 protein. It affects a nucleotide within the consensus splice site.

Breakthrough Genomics
Classification: Uncertain significance. Review status: criteria provided, single submitter. Criteria: ACMG Guidelines, 2015. Collection method: not provided. Allele origin: germline. Inheritance: Unknown mechanism. Affected: yes.

Literature cited by the submitters: PubMed 17576681 (cited by Labcorp Genetics (formerly Invitae), Labcorp); PubMed 9536098 (cited by Labcorp Genetics (formerly Invitae), Labcorp).